The following is an entry in ClinVar:

ClinVar aggregate classification (germline): Benign/Likely benign. Review status: criteria provided, multiple submitters, no conflicts (2 of 4 stars). 4 submissions from 4 submitters: Benign (2); Likely benign (2). Last evaluated 2026-09-23.

Conditions:
Huntington disease (HD). Also called: Huntington's chorea; Huntington's disease; HUNTINGTON CHOREA. Identifiers: Orphanet 248111, Orphanet 399, MedGen C0020179, MONDO:0007739, OMIM 143100.

Submissions (4):

Department Of Human Genetics, Institute Of Clinical And Translational Research, Biomedical Research Center, Slovak Academy Of Sciences
Classification: Benign for Huntington disease. Last evaluated: 2026-09-23. Review status: criteria provided, single submitter. Criteria: ACMG Guidelines for Huntington disease, 2014. Collection method: research. Allele origin: germline. Inheritance: Autosomal dominant inheritance.
Comment: The NC_000004.12.g.3074878_3074940AGC[14]AAC[1]AGC[1] allele represents a complex trinucleotide repeat sequence in the HTT (huntingtin) gene. The repeat tract consists of 14 consecutive AGC repeats, followed by one AAC repeat and one additional AGC repeat. This sequence corresponds to 14 uninterrupted glutamine-encoding units or 16 interrupted glutamine-encoding repeat units (this count the AAC interruption and the additional AGC to the total number of repeats on the DNA level, while all resulting in glutamine residues at the protein level). Huntington disease (HD) is an autosomal dominant neurodegenerative disorder caused by an expansion of the CAG trinucleotide repeat in exon 1 of the HTT gene. HTT alleles containing 26 or fewer CAG repeats are considered within the normal range, whereas alleles containing 27–35 repeats are classified as intermediate/premutation, 36-39 repeats as reduced-penetrance pathogenic alleles, and 40 or more repeats as full-penetrance pathogenic alleles. This allele falls into the benign range both when considering the 14 uninterrupted as well as the 16 interrupted glutamine-encoding repeats. The allele reached 1.31% frequency in the general population of Slovakia (in 609 genotyped alleles).

CeGaT Center for Human Genetics Tuebingen
Classification: Likely benign. Last evaluated: 2026-08-01. Review status: criteria provided, single submitter. Criteria: CeGaT Center For Human Genetics Tuebingen Variant Classification Criteria Version 2. Collection method: clinical testing. Allele origin: germline. Affected: yes. Observed: 5 variant alleles.
Comment: HTT: BS2

Laboratory of Genetics, Children's Clinical University Hospital Latvia
Classification: Benign. Last evaluated: 2025-02-16. Review status: criteria provided, single submitter. Criteria: ACMG Guidelines, 2015. Collection method: clinical testing. Allele origin: germline. Affected: yes.

Blueprint Genetics
Classification: Likely benign. Last evaluated: 2024-11-26. Review status: criteria provided, single submitter. Criteria: ACMG Guidelines, 2015. Collection method: clinical testing. Allele origin: germline.

NM_001388492.1(HTT):c.54GCA[16] (p.Gln36_Gln38del)

Genes: HTT (huntingtin; plus strand), LOC129929027 (ATAC-STARR-seq lymphoblastoid silent region 15199; plus strand), LOC109461479 (huntingtin repeat instability region; plus strand). Cytogenetic location: 4p16.3.
Variant type: Microsatellite.
Coding change: c.54GCA[16] on transcript NM_001388492.1 (MANE Select); 16 copies in a row of the 3-base unit GCA starting at c.54.
Protein change: p.Gln36_Gln38del.
Genome position: GRCh38 VCF-style: chr4-3074876-CCAGCAGCAGCAGCAG-C. GRCh37 (hg19) VCF-style: chr4-3076603-CCAGCAGCAGCAGCAG-C.
Other names: c.54GCA[16], p.Gln36_Gln40del (NM_002111.8).
Identifiers: ClinVar variation 3910357 (VCV003910357.10).
Genomic context (GRCh38, chr4:3,074,876, plus strand): 5'-GGAGACCGCCATGGCGACCCTGGAAAAGCTGATGAAGGCCTTCGAGTCCCTCAAGTCCTT[CCAGCAGCAGCAGCAG>C]CAGCAGCAGCAGCAGCAGCAGCAGCAGCAGCAGCAGCAGCAGCAACAGCCGCCACCGCCG-3'